The following is an entry in ClinVar:

ClinVar aggregate classification (germline): Benign (1 of 4 stars; one submission).

Conditions:
Fleck corneal dystrophy (CFD). Also called: CORNEAL DYSTROPHY, FRANCOIS-NEETENS SPECKLED OR FLECKED. Identifiers: Orphanet 98970, MedGen C1562113, MONDO:0007376, OMIM 121850.

Allele frequency attached by ClinVar (database versions not stated): gnomAD 0.00001 and 0.00006; TOPMed 0.00001; 1000 Genomes Project 0.00040; 1000 Genomes Project 30x 0.00062.
gnomAD v4.1: 9 of 152,310 alleles (0.0059%); highest among the groups gnomAD compares: East Asian, 0.15%; no homozygotes.

Submission:

Illumina Laboratory Services, Illumina
Classification: Benign for Fleck corneal dystrophy. Last evaluated: 2018-01-12. Review status: criteria provided, single submitter. Criteria: ICSL Variant Classification Criteria 13 December 2019. Collection method: clinical testing. Allele origin: germline.
Comment: This variant was observed in the ICSL laboratory as part of a predisposition screen in an ostensibly healthy population. It had not been previously curated by ICSL or reported in the Human Gene Mutation Database (HGMD: prior to June 1st, 2018), and was therefore a candidate for classification through an automated scoring system. Utilizing variant allele frequency, disease prevalence and penetrance estimates, and inheritance mode, an automated score was calculated to assess if this variant is too frequent to cause the disease. Based on the score and internal cut-off values, a variant classified as benign is not then subjected to further curation. The score for this variant resulted in a classification of benign for this disease.

NM_015040.4(PIKFYVE):c.*1938G>C

Gene: PIKFYVE (phosphoinositide kinase, FYVE-type zinc finger containing; plus strand). Cytogenetic location: 2q34.
Variant type: single nucleotide variant.
Coding change: c.*1938G>C on transcript NM_015040.4 (MANE Select); 1938 bases downstream of the stop codon, G replaced by C.
Molecular consequence: 3 prime UTR variant.
Genome position (GRCh38, 1-based): chr2:208,357,243, G>C. VCF-style: chr2-208357243-G-C. GRCh37 (hg19) VCF-style: chr2-209221967-G-C.
Identifiers: ClinVar variation 333962 (VCV000333962.5), dbSNP rs140749141, ClinGen allele CA10614099.